The following is an entry in ClinVar:

ClinVar aggregate classification (germline): Benign. Review status: criteria provided, multiple submitters, no conflicts (2 of 4 stars). 9 submissions from 9 submitters: Benign (5). 4 of the submissions do not count toward it. Last evaluated 2026-02-03.

Conditions:
PRDM16-related disorder. Also called: PRDM16-related condition.
Left ventricular noncompaction 8 (LVNC8). Identifiers: Orphanet 154, Orphanet 54260, MedGen C3809288, MONDO:0014152, OMIM 615373.

Allele frequency attached by ClinVar (database versions not stated): gnomAD exomes 0.00095 and 0.00235; ExAC 0.00322; gnomAD 0.00869 and 0.00935; 1000 Genomes Project 0.00899; TOPMed 0.00939; ESP Exome Variant Server 0.00954; 1000 Genomes Project 30x 0.00968.
gnomAD v4.1: 2,779 of 1,603,902 alleles (0.17%); highest among the groups gnomAD compares: African/African-American, 2.8%; 52 homozygotes.

Submissions (9):

Labcorp Genetics (formerly Invitae), Labcorp
Classification: Benign for Left ventricular noncompaction 8. Last evaluated: 2026-02-03. Review status: criteria provided, single submitter. Criteria: Invitae Variant Classification Sherloc (09022015). Collection method: clinical testing. Allele origin: germline.

Women's Health and Genetics/Laboratory Corporation of America, LabCorp
Classification: Benign. Last evaluated: 2023-08-19. Review status: criteria provided, single submitter. Criteria: LabCorp Variant Classification Summary - May 2015. Collection method: clinical testing. Allele origin: germline.

GeneDx
Classification: Benign. Last evaluated: 2016-11-16. Review status: criteria provided, single submitter. Criteria: GeneDx Variant Classification (06012015). Collection method: clinical testing. Allele origin: germline. Affected: yes.
Comment: This variant is considered likely benign or benign based on one or more of the following criteria: it is a conservative change, it occurs at a poorly conserved position in the protein, it is predicted to be benign by multiple in silico algorithms, and/or has population frequency not consistent with disease.

Laboratory for Molecular Medicine, Mass General Brigham Personalized Medicine
Classification: Benign. Last evaluated: 2014-11-24. Review status: criteria provided, single submitter. Criteria: LMM Criteria. Collection method: clinical testing. Allele origin: germline. Observed: 6 variant alleles.
Comment: Arg357Arg in exon 8 of PRDM16: This variant is not expected to have clinical sig nificance because it does not alter an amino acid residue and is not located wit hin the splice consensus sequence. It has been identified in 2.7% (120/4400) of African American chromosomes from a broad population by the NHLBI Exome Sequenci ng Project (dbSNP rs2483221).

Breakthrough Genomics
Classification: Benign. Review status: criteria provided, single submitter. Criteria: ACMG Guidelines, 2015. Collection method: not provided. Allele origin: germline. Inheritance: Autosomal dominant inheritance. Affected: yes.

PreventionGenetics, part of Exact Sciences
Classification: Benign for PRDM16-related condition. Last evaluated: 2019-09-13. Review status: no assertion criteria provided. Collection method: clinical testing. Allele origin: germline. Not counted in ClinVar's aggregate classification.
Comment: This variant is classified as benign based on ACMG/AMP sequence variant interpretation guidelines (Richards et al. 2015 PMID: 25741868, with internal and published modifications).

Clinical Genetics DNA and cytogenetics Diagnostics Lab, Erasmus MC, Erasmus Medical Center
Classification: Benign. Review status: no assertion criteria provided. Collection method: clinical testing. Allele origin: germline. Affected: yes. Study: VKGL Data-share Consensus. Not counted in ClinVar's aggregate classification.

Clinical Genetics, Academic Medical Center
Classification: Benign. Review status: no assertion criteria provided. Collection method: clinical testing. Allele origin: germline. Affected: yes. Study: VKGL Data-share Consensus. Not counted in ClinVar's aggregate classification.

Joint Genome Diagnostic Labs from Nijmegen and Maastricht, Radboudumc and MUMC+
Classification: Benign. Review status: no assertion criteria provided. Collection method: clinical testing. Allele origin: germline. Affected: yes. Study: VKGL Data-share Consensus. Not counted in ClinVar's aggregate classification.

NM_022114.4(PRDM16):c.1071C>T (p.Arg357=)

Gene: PRDM16 (PR/SET domain 16; plus strand). Cytogenetic location: 1p36.32.
Variant type: single nucleotide variant.
Coding change: c.1071C>T on transcript NM_022114.4 (MANE Select); coding-DNA position 1071, C replaced by T.
Protein change: p.Arg357=; no amino-acid change (arginine 357 retained).
Molecular consequence: synonymous variant.
Genome position (GRCh38, 1-based): chr1:3,405,533, C>T. VCF-style: chr1-3405533-C-T. GRCh37 (hg19) VCF-style: chr1-3322097-C-T.
Other names: c.1071C>T, p.Arg357= (NM_199454.3).
Identifiers: ClinVar variation 221025 (VCV000221025.24), dbSNP rs2483221, ClinGen allele CA348432.